The following is an entry in ClinVar:

ClinVar aggregate classification (germline): Uncertain significance (1 of 4 stars; one submission).

Conditions:
Andersen Tawil syndrome (LQT7). Also called: ANDERSEN CARDIODYSRHYTHMIC PERIODIC PARALYSIS; Andersen Syndrome; Potassium-sensitive periodic paralysis, ventricular ectopy, and dysmorphic features; LONG QT SYNDROME 7; PERIODIC PARALYSIS, POTASSIUM-SENSITIVE CARDIODYSRHYTHMIC TYPE. Identifiers: Orphanet 37553, MedGen C1563715, MONDO:0008222, OMIM 170390.
Short QT syndrome type 3. Identifiers: Orphanet 51083, MedGen C1865018, MONDO:0012314, OMIM 609622.

Submission:

Labcorp Genetics (formerly Invitae), Labcorp
Classification: Uncertain significance for Short QT syndrome type 3; Andersen Tawil syndrome. Last evaluated: 2023-10-22. Review status: criteria provided, single submitter. Criteria: Invitae Variant Classification Sherloc (09022015). Collection method: clinical testing. Allele origin: germline.
Comment: This sequence change replaces cysteine, which is neutral and slightly polar, with arginine, which is basic and polar, at codon 89 of the KCNJ2 protein (p.Cys89Arg). This variant is not present in population databases (gnomAD no frequency). This variant has not been reported in the literature in individuals affected with KCNJ2-related conditions. Advanced modeling of protein sequence and biophysical properties (such as structural, functional, and spatial information, amino acid conservation, physicochemical variation, residue mobility, and thermodynamic stability) performed at Invitae indicates that this missense variant is expected to disrupt KCNJ2 protein function. In summary, the available evidence is currently insufficient to determine the role of this variant in disease. Therefore, it has been classified as a Variant of Uncertain Significance.

NM_000891.3(KCNJ2):c.265T>C (p.Cys89Arg)

Gene: KCNJ2 (potassium inwardly rectifying channel subfamily J member 2; plus strand). Cytogenetic location: 17q24.3.
Variant type: single nucleotide variant.
Coding change: c.265T>C on transcript NM_000891.3 (MANE Select); coding-DNA position 265, T replaced by C.
Protein change: p.Cys89Arg; replaces cysteine 89 with arginine.
Molecular consequence: missense variant.
Genome position (GRCh38, 1-based): chr17:70,175,304, T>C. VCF-style: chr17-70175304-T-C. GRCh37 (hg19) VCF-style: chr17-68171445-T-C.
Other names: short protein forms C89R.
Identifiers: ClinVar variation 2952813 (VCV002952813.3), dbSNP rs2509920964, ClinGen allele CA400860224.
Genomic context (GRCh38, chr17:70,175,304, plus strand): 5'-CTCGCAGACATCTTCACCACGTGTGTGGACATTCGCTGGCGGTGGATGCTGGTTATCTTC[T>C]GCCTGGCTTTCGTCCTGTCATGGCTGTTTTTTGGCTGTGTGTTTTGGTTGATAGCTCTGC-3'
Protein context (NP_000882.1, residues 79-99): IRWRWMLVIF[Cys89Arg]LAFVLSWLFF